The following is an entry in ClinVar:

NM_001171.6(ABCC6):c.4403G>A (p.Arg1468Gln)

Genes: ABCC6 (ATP binding cassette subfamily C member 6; minus strand), LOC125146421 (Sharpr-MPRA regulatory region 15590; plus strand). Cytogenetic location: 16p13.11.
Variant type: single nucleotide variant.
Coding change: c.4403G>A on transcript NM_001171.6 (MANE Select); coding-DNA position 4403, G replaced by A.
Protein change: p.Arg1468Gln; replaces arginine 1468 with glutamine.
Molecular consequence: missense variant. On other transcripts: non-coding transcript variant (1).
Genome position (GRCh38, 1-based): chr16:16,150,578, C>T on the plus strand (G>A on the coding strand, the complement: ABCC6 is on the minus strand). VCF-style: chr16-16150578-C-T. GRCh37 (hg19) VCF-style: chr16-16244435-C-T.
Other names: c.4061G>A, p.Arg1354Gln (NM_001351800.1); short protein forms R1468Q, R1354Q.
Identifiers: ClinVar variation 1449047 (VCV001449047.6), dbSNP rs761098006, ClinGen allele CA7925206.

ClinVar aggregate classification (germline): Uncertain significance (1 of 4 stars; one submission).

Allele frequency attached by ClinVar (database versions not stated): gnomAD 0.00002 and 0.00003; TOPMed 0.00002.
gnomAD v4.1: 26 of 1,607,552 alleles (0.0016%); highest among the groups gnomAD compares: South Asian, 0.0044%; no homozygotes.

Submission:

Labcorp Genetics (formerly Invitae), Labcorp
Classification: Uncertain significance. Last evaluated: 2021-12-26. Review status: criteria provided, single submitter. Criteria: Invitae Variant Classification Sherloc (09022015). Collection method: clinical testing. Allele origin: germline.
Comment: In summary, the available evidence is currently insufficient to determine the role of this variant in disease. Therefore, it has been classified as a Variant of Uncertain Significance. Variants that disrupt the consensus splice site are a relatively common cause of aberrant splicing (PMID: 17576681, 9536098). Algorithms developed to predict the effect of sequence changes on RNA splicing suggest that this variant may disrupt the consensus splice site. Algorithms developed to predict the effect of missense changes on protein structure and function are either unavailable or do not agree on the potential impact of this missense change (SIFT: "Tolerated"; PolyPhen-2: "Probably Damaging"; Align-GVGD: "Class C0"). This variant has not been reported in the literature in individuals affected with ABCC6-related conditions. This variant is present in population databases (rs761098006, gnomAD 0.007%). This sequence change replaces arginine, which is basic and polar, with glutamine, which is neutral and polar, at codon 1468 of the ABCC6 protein (p.Arg1468Gln). This variant also falls at the last nucleotide of exon 30, which is part of the consensus splice site for this exon.

Literature cited by the submitters: PubMed 17576681; PubMed 9536098.